The following is an entry in ClinVar:

NM_018972.4(GDAP1):c.260T>C (p.Ile87Thr)

Gene: GDAP1 (ganglioside induced differentiation associated protein 1; plus strand). Cytogenetic location: 8q21.11.
Variant type: single nucleotide variant.
Coding change: c.260T>C on transcript NM_018972.4 (MANE Select); coding-DNA position 260, T replaced by C.
Protein change: p.Ile87Thr; replaces isoleucine 87 with threonine.
Molecular consequence: missense variant. On other transcripts: intron variant (2).
Genome position (GRCh38, 1-based): chr8:74,351,416, T>C. VCF-style: chr8-74351416-T-C. GRCh37 (hg19) VCF-style: chr8-75263651-T-C.
Other names: c.56T>C, p.Ile19Thr (NM_001040875.4); c.260T>C, p.Ile87Thr (NM_001362930.2, NM_001362931.2); c.-18+95T>C (NM_001362929.2); c.-18+838T>C (NM_001362932.2); short protein forms I87T, I19T.
Identifiers: ClinVar variation 535792 (VCV000535792.11), dbSNP rs751297226, ClinGen allele CA4785064.

ClinVar aggregate classification (germline): Uncertain significance. Review status: criteria provided, multiple submitters, no conflicts (2 of 4 stars). 2 submissions from 2 submitters: Uncertain significance (2). Last evaluated 2025-01-14.

Conditions:
Inborn genetic diseases. Identifiers: MedGen C0950123, MeSH D030342.
Charcot-Marie-Tooth disease type 4A. Also called: Charcot-Marie-Tooth disease, demyelinating, autosomal recessive, type 4a. Identifiers: Orphanet 99948, MedGen C1859198, MONDO:0008961, OMIM 214400.

Allele frequency attached by ClinVar (database versions not stated): ExAC 0.00001; gnomAD exomes 0.00001 and 0.00002; gnomAD 0.00002; TOPMed 0.00002.
gnomAD v4.1: 25 of 1,613,954 alleles (0.0015%); highest among the groups gnomAD compares: Non-Finnish European, 0.002%; no homozygotes.

Submissions (2):

Labcorp Genetics (formerly Invitae), Labcorp
Classification: Uncertain significance for Charcot-Marie-Tooth disease type 4A. Last evaluated: 2025-01-14. Review status: criteria provided, single submitter. Criteria: Invitae Variant Classification Sherloc (09022015). Collection method: clinical testing. Allele origin: germline.
Comment: This sequence change replaces isoleucine, which is neutral and non-polar, with threonine, which is neutral and polar, at codon 87 of the GDAP1 protein (p.Ile87Thr). This variant is present in population databases (rs751297226, gnomAD 0.002%). This variant has not been reported in the literature in individuals affected with GDAP1-related conditions. ClinVar contains an entry for this variant (Variation ID: 535792). Invitae Evidence Modeling of protein sequence and biophysical properties (such as structural, functional, and spatial information, amino acid conservation, physicochemical variation, residue mobility, and thermodynamic stability) indicates that this missense variant is not expected to disrupt GDAP1 protein function with a negative predictive value of 80%. In summary, the available evidence is currently insufficient to determine the role of this variant in disease. Therefore, it has been classified as a Variant of Uncertain Significance.

Ambry Genetics
Classification: Uncertain significance for Inborn genetic diseases. Last evaluated: 2019-11-28. Review status: criteria provided, single submitter. Criteria: Ambry Variant Classification Scheme 2023. Collection method: clinical testing. Allele origin: germline.
Comment: The p.I87T variant (also known as c.260T>C), located in coding exon 2 of the GDAP1 gene, results from a T to C substitution at nucleotide position 260. The isoleucine at codon 87 is replaced by threonine, an amino acid with similar properties. This amino acid position is highly conserved in available vertebrate species. In addition, this alteration is predicted to be deleterious by in silico analysis. Since supporting evidence is limited at this time, the clinical significance of this alteration remains unclear.